The following is an entry in ClinVar:

ClinVar aggregate classification (germline): Uncertain significance. Review status: criteria provided, multiple submitters, no conflicts (2 of 4 stars). 2 submissions from 2 submitters: Uncertain significance (2). Last evaluated 2025-12-31.

Conditions:
Inborn genetic diseases. Identifiers: MedGen C0950123, MeSH D030342.
Hereditary spastic paraplegia 4. Also called: Familial spastic paraplegia autosomal dominant 2; Spastic paraplegia 4, autosomal dominant; Spastic Paraplegia 4. Identifiers: Orphanet 100985, MedGen C1866855, MONDO:0008438, OMIM 182601.

Allele frequency attached by ClinVar (database versions not stated): TOPMed 0.00003; gnomAD exomes below 0.00001; ExAC 0.00001; gnomAD 0.00001.
gnomAD v4.1: 6 of 1,613,620 alleles (0.00037%); highest among the groups gnomAD compares: African/African-American, 0.0067%; no homozygotes.

Submissions (2):

Ambry Genetics
Classification: Uncertain significance for Inborn genetic diseases. Last evaluated: 2025-12-31. Review status: criteria provided, single submitter. Criteria: Ambry Variant Classification Scheme 2023. Collection method: clinical testing. Allele origin: germline.

Labcorp Genetics (formerly Invitae), Labcorp
Classification: Uncertain significance for Hereditary spastic paraplegia 4. Last evaluated: 2025-01-09. Review status: criteria provided, single submitter. Criteria: Invitae Variant Classification Sherloc (09022015). Collection method: clinical testing. Allele origin: germline.
Comment: This sequence change replaces glutamic acid, which is acidic and polar, with alanine, which is neutral and non-polar, at codon 602 of the SPAST protein (p.Glu602Ala). This variant is present in population databases (rs776152816, gnomAD 0.007%). This variant has not been reported in the literature in individuals affected with SPAST-related conditions. ClinVar contains an entry for this variant (Variation ID: 645580). Invitae Evidence Modeling of protein sequence and biophysical properties (such as structural, functional, and spatial information, amino acid conservation, physicochemical variation, residue mobility, and thermodynamic stability) has been performed for this missense variant. However, the output from this modeling did not meet the statistical confidence thresholds required to predict the impact of this variant on SPAST protein function. In summary, the available evidence is currently insufficient to determine the role of this variant in disease. Therefore, it has been classified as a Variant of Uncertain Significance.

NM_014946.4(SPAST):c.1805A>C (p.Glu602Ala)

Gene: SPAST (spastin; plus strand). Cytogenetic location: 2p22.3.
Variant type: single nucleotide variant.
Coding change: c.1805A>C on transcript NM_014946.4 (MANE Select); coding-DNA position 1805, A replaced by C.
Protein change: p.Glu602Ala; replaces glutamic acid 602 with alanine.
Molecular consequence: missense variant. On other transcripts: 3 prime UTR variant (1).
Genome position (GRCh38, 1-based): chr2:32,154,450, A>C. VCF-style: chr2-32154450-A-C. GRCh37 (hg19) VCF-style: chr2-32379519-A-C.
Other names: c.1802A>C, p.Glu601Ala (NM_001363823.2); c.1706A>C, p.Glu569Ala (NM_001363875.2); c.*78A>C (NM_001377959.1); c.1709A>C, p.Glu570Ala (NM_199436.2); short protein forms E569A, E601A, E602A, E570A.
Identifiers: ClinVar variation 645580 (VCV000645580.11), dbSNP rs776152816, ClinGen allele CA1601027.
Genomic context (GRCh38, chr2:32,154,450, plus strand): 5'-TATCTGACTTCACTGAATCCTTGAAAAAAATAAAACGCAGCGTCAGCCCTCAAACTTTAG[A>C]AGCGTACATACGTTGGAACAAGGACTTTGGAGATACCACTGTTTAAGGAAATACCTTTGT-3'
Protein context (NP_055761.2, residues 592-612): IKRSVSPQTL[Glu602Ala]AYIRWNKDFG